The following is an entry in ClinVar:

ClinVar aggregate classification (germline): Uncertain significance (1 of 4 stars; one submission).

Conditions:
3-methylglutaconic aciduria with deafness, encephalopathy, and Leigh-like syndrome (MEGDEL). Also called: 3-METHYLGLUTACONIC ACIDURIA, TYPE VI; SERAC1 Deficiency; MEGDEL syndrome. Identifiers: Orphanet 352328, MedGen C4040739, MONDO:0013875, OMIM 614739.

Submission:

Labcorp Genetics (formerly Invitae), Labcorp
Classification: Uncertain significance for 3-methylglutaconic aciduria with deafness, encephalopathy, and Leigh-like syndrome. Last evaluated: 2025-03-05. Review status: criteria provided, single submitter. Criteria: Invitae Variant Classification Sherloc (09022015). Collection method: clinical testing. Allele origin: germline.
Comment: This variant, c.1566_1568del, results in the deletion of 1 amino acid(s) of the SERAC1 protein (p.Asn523del), but otherwise preserves the integrity of the reading frame. This variant is not present in population databases (gnomAD no frequency). This variant has not been reported in the literature in individuals affected with SERAC1-related conditions. Experimental studies and prediction algorithms are not available or were not evaluated, and the functional significance of this variant is currently unknown. In summary, the available evidence is currently insufficient to determine the role of this variant in disease. Therefore, it has been classified as a Variant of Uncertain Significance.

NM_032861.4(SERAC1):c.1563CAA[1] (p.Asn523del)

Gene: SERAC1 (serine active site containing 1; minus strand). Cytogenetic location: 6q25.3.
Variant type: Microsatellite.
Coding change: c.1563CAA[1] on transcript NM_032861.4 (MANE Select); one copy of the 3-base unit CAA starting at c.1563; the reference has two copies in a row; one copy, 3 bases deleted.
Protein change: p.Asn523del; deletes asparagine 523.
Molecular consequence: non-coding transcript variant (on NR_073096.2).
Genome position (GRCh38, 1-based): chr6:158,114,905-158,114,907, TTG deleted on the plus strand (CAA on the coding strand, the reverse complement: SERAC1 is on the minus strand); deleting any 3 consecutive bases within chr6:158,114,905-158,114,910 gives the same sequence; the position shown is the placement nearest the transcript's 3' end. VCF-style (leftmost placement, unchanged base first): chr6-158114904-ATTG-A. GRCh37 (hg19) VCF-style: chr6-158535936-ATTG-A.
Other names: short protein forms N523del.
Identifiers: ClinVar variation 4797467 (VCV004797467.1).
Genomic context (GRCh38, chr6:158,114,904, plus strand): 5'-AGAGTATTCAGCCAAACGTGATCCATGATGAGGGACACTATAAAAAATTATTCCTCTGGT[ATTG>A]TTGATAACAGTACTCATTTCTGGCTTCGTAGAGGCTTCCAACAGCATCTTTTTGACAAGA-3'